The following is an entry in ClinVar:

ClinVar aggregate classification (germline): Uncertain significance (1 of 4 stars; one submission).

Conditions:
Walker-Warburg congenital muscular dystrophy. Also called: Muscular dystrophy-dystroglycanopathy, type A; Walker-Warburg syndrome. Identifiers: Orphanet 899, MedGen C0265221, MONDO:0000171.
Autosomal recessive limb-girdle muscular dystrophy type 2K. Also called: MUSCULAR DYSTROPHY-DYSTROGLYCANOPATHY (LIMB-GIRDLE), TYPE C, 1; MUSCULAR DYSTROPHY, LIMB-GIRDLE, TYPE 2K. Identifiers: Orphanet 86812, MedGen C1836373, MONDO:0012248, OMIM 609308.
Muscular dystrophy-dystroglycanopathy (congenital with impaired intellectual development), type B, 1. Also called: Muscular dystrophy-dystroglycanopathy (congenital with intellectual disability), type B1; MUSCULAR DYSTROPHY, CONGENITAL, POMT1-RELATED. Identifiers: MedGen C5436962, MONDO:0013159, OMIM 613155.

Submission:

Labcorp Genetics (formerly Invitae), Labcorp
Classification: Uncertain significance for Muscular dystrophy-dystroglycanopathy (congenital with impaired intellectual development), type B, 1; Walker-Warburg congenital muscular dystrophy; Autosomal recessive limb-girdle muscular dystrophy type 2K. Last evaluated: 2021-07-26. Review status: criteria provided, single submitter. Criteria: Invitae Variant Classification Sherloc (09022015). Collection method: clinical testing. Allele origin: germline.
Comment: In summary, the available evidence is currently insufficient to determine the role of this variant in disease. Therefore, it has been classified as a Variant of Uncertain Significance. Algorithms developed to predict the effect of missense changes on protein structure and function (SIFT, PolyPhen-2, Align-GVGD) all suggest that this variant is likely to be tolerated. This variant has not been reported in the literature in individuals affected with POMT1-related conditions. This variant is not present in population databases (ExAC no frequency). This sequence change replaces serine with arginine at codon 558 of the POMT1 protein (p.Ser558Arg). The serine residue is weakly conserved and there is a moderate physicochemical difference between serine and arginine.

NM_001077365.2(POMT1):c.1608T>G (p.Ser536Arg)

Gene: POMT1 (protein O-mannosyltransferase 1; plus strand). Cytogenetic location: 9q34.13.
Variant type: single nucleotide variant.
Coding change: c.1608T>G on transcript NM_001077365.2 (MANE Select); coding-DNA position 1608, T replaced by G.
Protein change: p.Ser536Arg; replaces serine 536 with arginine.
Molecular consequence: missense variant. On other transcripts: non-coding transcript variant (10).
Genome position (GRCh38, 1-based): chr9:131,520,103, T>G. VCF-style: chr9-131520103-T-G. GRCh37 (hg19) VCF-style: chr9-134395490-T-G.
Other names: c.1446T>G, p.Ser482Arg (NM_001077366.2, NM_001353194.2); c.1608T>G, p.Ser536Arg (NM_001136113.2); c.1257T>G, p.Ser419Arg (NM_001136114.2, NM_001353195.2, NM_001374691.1 and 2 more transcripts); c.1674T>G, p.Ser558Arg (NM_001353193.2, NM_007171.4); c.1518T>G, p.Ser506Arg (NM_001353196.2); c.1512T>G, p.Ser504Arg (NM_001353197.2, NM_001353198.2); c.1323T>G, p.Ser441Arg (NM_001353199.2); c.1152T>G, p.Ser384Arg (NM_001353200.2); and 3 more; short protein forms S419R, S463R, S532R, S406R, S504R, S506R, S536R, S558R.
Identifiers: ClinVar variation 1476265 (VCV001476265.8), dbSNP rs1588482215, ClinGen allele CA375313054.
Genomic context (GRCh38, chr9:131,520,103, plus strand): 5'-CCCATCCTCAATCTCAGAGGCCTCTGCTTTGTTCCAGTGGAGGATGCTGGCGCTGAGAAG[T>G]GATGACTCGGAACACAAGTACAGCTCCAGCCCACTGGAGTGGGTCACCCTGGACACCAAT-3'
Protein context (NP_001070833.1, residues 526-546): ELQWRMLALR[Ser536Arg]DDSEHKYSSS